The following is an entry in ClinVar:

ClinVar aggregate classification (germline): Uncertain significance. Review status: criteria provided, multiple submitters, no conflicts (2 of 4 stars). 6 submissions from 6 submitters: Uncertain significance (6). Last evaluated 2026-05-11.

Conditions:
Inborn genetic diseases. Identifiers: MedGen C0950123, MeSH D030342.
Charcot-Marie-Tooth disease. Also called: Charcot-Marie-Tooth Neuropathy; Charcot-Marie-Tooth Hereditary Neuropathy. Identifiers: Orphanet 166, MedGen C0007959, MONDO:0015626.
Charcot-Marie-Tooth disease type 4. Also called: Charcot-Marie-Tooth disease, type IV; Charcot-Marie-Tooth, Type 4. Identifiers: Orphanet 64749, MedGen C4082197, MONDO:0018995.
Charcot-Marie-Tooth disease type 4F. Also called: Charcot-Marie-Tooth disease, demyelinating, type 4F. Identifiers: Orphanet 99952, MedGen C3540453, MONDO:0013959, OMIM 614895.
PRX-related disorder. Also called: PRX-Related Disorders; PRX-related condition.

Allele frequency attached by ClinVar (database versions not stated): ExAC 0.00003; gnomAD 0.00003 and 0.00004; gnomAD exomes 0.00005; TOPMed 0.00005.

Submissions (6):

PreventionGenetics, part of Exact Sciences
Classification: Uncertain significance for PRX-related condition. Last evaluated: 2026-05-11. Review status: criteria provided, single submitter. Criteria: ACMG Guidelines, 2015. Collection method: clinical testing. Allele origin: germline.
Comment: The PRX c.1828G>A variant is predicted to result in the amino acid substitution p.Glu610Lys. To our knowledge, this variant has not been reported in the literature. This variant is reported in 0.0070% of alleles in individuals of European (Non-Finnish) descent in gnomAD. At this time, the clinical significance of this variant is uncertain due to the absence of conclusive functional and genetic evidence.

Labcorp Genetics (formerly Invitae), Labcorp
Classification: Uncertain significance for Charcot-Marie-Tooth disease type 4. Last evaluated: 2026-01-26. Review status: criteria provided, single submitter. Criteria: Invitae Variant Classification Sherloc (09022015). Collection method: clinical testing. Allele origin: germline.
Comment: This sequence change replaces glutamic acid, which is acidic and polar, with lysine, which is basic and polar, at codon 610 of the PRX protein (p.Glu610Lys). This variant is present in population databases (rs537664679, gnomAD 0.009%), including at least one homozygous and/or hemizygous individual. This variant has not been reported in the literature in individuals affected with PRX-related conditions. ClinVar contains an entry for this variant (Variation ID: 329273). An algorithm developed to predict the effect of missense changes on protein structure and function (PolyPhen-2) suggests that this variant is likely to be tolerated. In summary, the available evidence is currently insufficient to determine the role of this variant in disease. Therefore, it has been classified as a Variant of Uncertain Significance.

Ambry Genetics
Classification: Uncertain significance for Inborn genetic diseases. Last evaluated: 2024-09-30. Review status: criteria provided, single submitter. Criteria: Ambry Variant Classification Scheme 2023. Collection method: clinical testing. Allele origin: germline.

Women's Health and Genetics/Laboratory Corporation of America, LabCorp
Classification: Uncertain significance. Last evaluated: 2024-07-02. Review status: criteria provided, single submitter. Criteria: LabCorp Variant Classification Summary - May 2015. Collection method: clinical testing. Allele origin: germline.
Comment: Variant summary: PRX c.1828G>A (p.Glu610Lys) results in a conservative amino acid change in the encoded protein sequence. Four of five in-silico tools predict a benign effect of the variant on protein function. The variant allele was found at a frequency of 4.8e-05 in 250760 control chromosomes in the gnomAD database, including 1 homozygote. This frequency is not significantly higher than estimated for a pathogenic variant in PRX causing PRX-Related Disorders, allowing no conclusion about variant significance. To our knowledge, no occurrence of c.1828G>A in individuals affected with PRX-Related Disorders and no experimental evidence demonstrating its impact on protein function have been reported. ClinVar contains an entry for this variant (Variation ID: 329273). Based on the evidence outlined above, the variant was classified as uncertain significance.

Illumina Laboratory Services, Illumina
Classification: Uncertain significance for Charcot-Marie-Tooth disease type 4F. Last evaluated: 2018-01-12. Review status: criteria provided, single submitter. Criteria: ICSL Variant Classification Criteria 13 December 2019. Collection method: clinical testing. Allele origin: germline.

Molecular Genetics Laboratory, London Health Sciences Centre
Classification: Uncertain significance for Charcot-Marie-Tooth disease. Review status: criteria provided, single submitter. Criteria: ACMG Guidelines, 2015. Collection method: clinical testing. Allele origin: germline. Affected: yes.

NM_181882.3(PRX):c.1828G>A (p.Glu610Lys)

Gene: PRX (periaxin; minus strand). Cytogenetic location: 19q13.2.
Variant type: single nucleotide variant.
Coding change: c.1828G>A on transcript NM_181882.3 (MANE Select); coding-DNA position 1828, G replaced by A.
Protein change: p.Glu610Lys; replaces glutamic acid 610 with lysine.
Molecular consequence: missense variant. On other transcripts: 3 prime UTR variant (1).
Genome position (GRCh38, 1-based): chr19:40,396,524, C>T on the plus strand (G>A on the coding strand, the complement: PRX is on the minus strand). VCF-style: chr19-40396524-C-T. GRCh37 (hg19) VCF-style: chr19-40902431-C-T.
Other names: c.*2033G>A (NM_020956.2); short protein forms E610K.
Identifiers: ClinVar variation 329273 (VCV000329273.20), dbSNP rs537664679, ClinGen allele CA9444186.